The following is an entry in ClinVar:

NM_000245.4(MET):c.508A>C (p.Ser170Arg)

Gene: MET (MET proto-oncogene, receptor tyrosine kinase; plus strand). Cytogenetic location: 7q31.2.
Variant type: single nucleotide variant.
Coding change: c.508A>C on transcript NM_000245.4 (MANE Select); coding-DNA position 508, A replaced by C.
Protein change: p.Ser170Arg; replaces serine 170 with arginine.
Molecular consequence: missense variant. On other transcripts: intron variant (1).
Genome position (GRCh38, 1-based): chr7:116,699,592, A>C. VCF-style: chr7-116699592-A-C. GRCh37 (hg19) VCF-style: chr7-116339646-A-C.
Other names: c.508A>C, p.Ser170Arg (NM_001127500.3, NM_001324401.3); c.-91+27015A>C (NM_001324402.2); short protein forms S170R.
Identifiers: ClinVar variation 655325 (VCV000655325.11), dbSNP rs750102016, ClinGen allele CA4447999.

ClinVar aggregate classification (germline): Conflicting classifications of pathogenicity. Review status: criteria provided, conflicting classifications (1 of 4 stars). 2 submissions from 2 submitters: Uncertain significance (1); Likely benign (1). Last evaluated 2024-02-20.

Conditions:
Renal cell carcinoma. Identifiers: Orphanet 217071, MedGen C0007134, MeSH D002292, MONDO:0005086, HP:0005584.
Hereditary cancer-predisposing syndrome. Also called: Hereditary neoplastic syndrome; Tumor predisposition; Neoplastic Syndromes, Hereditary; Hereditary Cancer Syndrome. Identifiers: Orphanet 140162, MedGen C0027672, MeSH D009386, MONDO:0015356.

Allele frequency attached by ClinVar (database versions not stated): gnomAD exomes below 0.00001; gnomAD 0.00001; TOPMed 0.00001; ExAC 0.00001.
gnomAD v4.1: 7 of 1,613,922 alleles (0.00043%); highest among the groups gnomAD compares: Non-Finnish European, 0.00059%; no homozygotes.

Submissions (2):

Labcorp Genetics (formerly Invitae), Labcorp
Classification: Uncertain significance for Renal cell carcinoma. Last evaluated: 2024-02-20. Review status: criteria provided, single submitter. Criteria: Invitae Variant Classification Sherloc (09022015). Collection method: clinical testing. Allele origin: germline.
Comment: This sequence change replaces serine, which is neutral and polar, with arginine, which is basic and polar, at codon 170 of the MET protein (p.Ser170Arg). This variant is present in population databases (rs750102016, gnomAD 0.002%). This variant has not been reported in the literature in individuals affected with MET-related conditions. ClinVar contains an entry for this variant (Variation ID: 655325). Advanced modeling of protein sequence and biophysical properties (such as structural, functional, and spatial information, amino acid conservation, physicochemical variation, residue mobility, and thermodynamic stability) performed at Invitae indicates that this missense variant is not expected to disrupt MET protein function with a negative predictive value of 80%. In summary, the available evidence is currently insufficient to determine the role of this variant in disease. Therefore, it has been classified as a Variant of Uncertain Significance.

Ambry Genetics
Classification: Likely benign for Hereditary cancer-predisposing syndrome. Last evaluated: 2023-12-05. Review status: criteria provided, single submitter. Criteria: Ambry Variant Classification Scheme 2023. Collection method: clinical testing. Allele origin: germline.